The following is an entry in ClinVar:

ClinVar aggregate classification (germline): Pathogenic/Likely pathogenic. Review status: criteria provided, multiple submitters, no conflicts (2 of 4 stars). 7 submissions from 7 submitters: Pathogenic (3); Likely pathogenic (4). Last evaluated 2025-07-17.

Conditions:
CBS-related disorder. Also called: CBS-related condition.
Homocystinuria. Identifiers: MedGen C0019880, MONDO:0004737, HP:0002156.
Familial thoracic aortic aneurysm and aortic dissection (TAAD). Also called: Thoracic aortic aneurysms and dissections. Identifiers: Orphanet 91387, MedGen C4707243, MONDO:0019625.
Classic homocystinuria. Also called: Homocystinuria due to Cystathionine Beta-Synthase Deficiency; Homocystinuria due to CBS deficiency; Cystathionine beta-synthase deficiency; CBS deficiency; HOMOCYSTINURIA WITH OR WITHOUT RESPONSE TO PYRIDOXINE. Identifiers: Orphanet 394, MedGen C0751202, MONDO:0009352, OMIM 236200.
HYPERHOMOCYSTEINEMIA, THROMBOTIC, CBS-RELATED. Identifiers: MedGen C3150344, OMIM 236200.

Submissions (7):

Ambry Genetics
Classification: Likely pathogenic for Familial thoracic aortic aneurysm and aortic dissection. Last evaluated: 2025-07-17. Review status: criteria provided, single submitter. Criteria: Ambry Variant Classification Scheme 2023. Collection method: clinical testing. Allele origin: germline.
Comment: The p.A331E variant (also known as c.992C>A), located in coding exon 9 of the CBS gene, results from a C to A substitution at nucleotide position 992. The alanine at codon 331 is replaced by glutamic acid, an amino acid with dissimilar properties. This variant has been identified in the homozygous state and/or in conjunction with other CBS variant(s) in individual(s) with features consistent with homocystinuria; in at least one instance, the variants were identified in trans (Gaustadnes M et al. Hum Mutat, 2002 Aug;20:117-26). In an assay testing CBS function, this variant showed a functionally abnormal result (Mayfield JA et al. Genetics, 2012 Apr;190:1309-23). Other variant(s) at the same codon, p.A331V (c.992C>T), have been identified in individual(s) with features consistent with with homocystinuria (Kaur R et al. Sci Rep, 2020 Oct;10:17299). This variant is considered to be rare based on population cohorts in the Genome Aggregation Database (gnomAD). This amino acid position is poorly conserved in available vertebrate species. In addition, this alteration is predicted to be deleterious by in silico analysis. Based on the majority of available evidence to date, this variant is likely to be pathogenic.

Natera, Inc.
Classification: Likely pathogenic for Homocystinuria due to cystathionine beta-synthase deficiency. Last evaluated: 2025-02-03. Review status: criteria provided, single submitter. Criteria: Natera Variant Classification Schema (03/2026). Collection method: clinical testing. Allele origin: germline.
Comment: The c.992C>A variant in CBS is a missense variant predicted to cause substitution of alanine to glutamic acid at amino acid 331. This variant is rare in the general population with a frequency below the threshold expected for the associated phenotype(s). This variant has been observed in one or more individuals affected with the associated recessive disease, as either homozygous or compound heterozygous with a second variant (PMID: 12124992). Functional studies show that this variant may disrupt protein function (PMID: 22267502, 9156316). Computational prediction algorithms indicate this variant is likely to affect gene or protein function. Given the available evidence, this variant is classified as Likely Pathogenic.

Labcorp Genetics (formerly Invitae), Labcorp
Classification: Pathogenic for HYPERHOMOCYSTEINEMIA, THROMBOTIC, CBS-RELATED. Last evaluated: 2024-07-23. Review status: criteria provided, single submitter. Criteria: Invitae Variant Classification Sherloc (09022015). Collection method: clinical testing. Allele origin: germline.
Comment: This sequence change replaces alanine, which is neutral and non-polar, with glutamic acid, which is acidic and polar, at codon 331 of the CBS protein (p.Ala331Glu). This variant is present in population databases (rs777919630, gnomAD 0.0009%). This missense change has been observed in individual(s) with homocystinuria (PMID: 9156316; Invitae). ClinVar contains an entry for this variant (Variation ID: 212857). Advanced modeling of protein sequence and biophysical properties (such as structural, functional, and spatial information, amino acid conservation, physicochemical variation, residue mobility, and thermodynamic stability) performed at Invitae indicates that this missense variant is expected to disrupt CBS protein function with a positive predictive value of 95%. Experimental studies have shown that this missense change affects CBS function (PMID: 9156316, 22267502). For these reasons, this variant has been classified as Pathogenic.

Blueprint Genetics
Classification: Pathogenic for CBS-related disorders. Last evaluated: 2024-04-16. Review status: criteria provided, single submitter. Criteria: ACMG Guidelines, 2015. Collection method: clinical testing. Allele origin: germline. Affected: yes. Observed: 2 variant alleles.

Baylor Genetics
Classification: Likely pathogenic for Classic homocystinuria. Last evaluated: 2024-03-25. Review status: criteria provided, single submitter. Criteria: ACMG Guidelines, 2015. Collection method: clinical testing. Allele origin: unknown.

Women's Health and Genetics/Laboratory Corporation of America, LabCorp
Classification: Pathogenic for Homocystinuria. Last evaluated: 2021-10-04. Review status: criteria provided, single submitter. Criteria: LabCorp Variant Classification Summary - May 2015. Collection method: clinical testing. Allele origin: germline.
Comment: Variant summary: CBS c.992C>A (p.Ala331Glu) results in a non-conservative amino acid change located in the Pyridoxal-phosphate dependent enzyme domain of the encoded protein sequence. Five of five in-silico tools predict a damaging effect of the variant on protein function. The variant allele was found at a frequency of 4e-06 in 250866 control chromosomes. c.992C>A has been reported in the literature in one individual affected with Homocystinuria in the compound heterozygous state (Dawson_1996, Gaustadnes_2002). Additionally, the variant has been reported to reduce CBS activity to less than 1% of wild-type, and was shown to be non-functional in a yeast-based assay (Dawson_1996, Mayfield_2012). Two clinical diagnostic laboratories have submitted clinical-significance assessments for this variant to ClinVar after 2014 without evidence for independent evaluation. All laboratories classified the variant as pathogenic/likely pathogenic. Based on the evidence outlined above, the variant was classified as pathogenic.

GeneDx
Classification: Likely pathogenic. Last evaluated: 2019-12-31. Review status: criteria provided, single submitter. Criteria: GeneDx Variant Classification Process June 2021. Collection method: clinical testing. Allele origin: germline. Affected: yes.
Comment: Reported in a patient with homocystinuria who also harbors a frameshift variant in the CBS gene (Dawson et al., 1997; Gaustadnes et al., 2002); Reported in ClinVar as a likely pathogenic variant (ClinVar Variant ID# 212857; Landrum et al., 2016); Not observed at a significant frequency in large population cohorts (Lek et al., 2016); Published functional studies demonstrate a damaging effect on protein function (Mayfield et al., 2012); In silico analysis, which includes protein predictors and evolutionary conservation, supports that this variant does not alter protein structure/function; This variant is associated with the following publications: (PMID: 12124992, 12686134, 22267502, 9156316, 31301157)

Literature cited by the submitters: PubMed 12124992 (cited by 3 submitters); PubMed 22267502 (cited by 4 submitters); PubMed 9156316 (cited by 4 submitters).

NM_000071.3(CBS):c.992C>A (p.Ala331Glu)

Gene: CBS (cystathionine beta-synthase; minus strand). Cytogenetic location: 21q22.3.
Variant type: single nucleotide variant.
Coding change: c.992C>A on transcript NM_000071.3 (MANE Select); coding-DNA position 992, C replaced by A.
Protein change: p.Ala331Glu; replaces alanine 331 with glutamic acid.
Molecular consequence: missense variant.
Genome position (GRCh38, 1-based): chr21:43,062,358, G>T on the plus strand (C>A on the coding strand, the complement: CBS is on the minus strand). VCF-style: chr21-43062358-G-T. GRCh37 (hg19) VCF-style: chr21-44482468-G-T.
Other names: p.A331E:GCG>GAG; c.992C>A, p.Ala331Glu (NM_001178008.3, NM_001178009.3, NM_001320298.2); c.677C>A, p.Ala226Glu (NM_001321072.1); short protein forms A331E, A226E.
Identifiers: ClinVar variation 212857 (VCV000212857.22), dbSNP rs777919630, ClinGen allele CA323703.